The following is an entry in ClinVar:

ClinVar aggregate classification (germline): Uncertain significance (1 of 4 stars; one submission).

Conditions:
Inborn genetic diseases. Identifiers: MedGen C0950123, MeSH D030342.

Submission:

Ambry Genetics
Classification: Uncertain significance for Inborn genetic diseases. Last evaluated: 2023-12-29. Review status: criteria provided, single submitter. Criteria: Ambry Variant Classification Scheme 2023. Collection method: clinical testing. Allele origin: germline.
Comment: The p.M1553L variant (also known as c.4657A>T), located in coding exon 27 of the ATR gene, results from an A to T substitution at nucleotide position 4657. The methionine at codon 1553 is replaced by leucine, an amino acid with highly similar properties. This amino acid position is conserved. In addition, this alteration is predicted to be tolerated by in silico analysis. Since supporting evidence is limited at this time, the clinical significance of this alteration remains unclear.

NM_001184.4(ATR):c.4657A>T (p.Met1553Leu)

Gene: ATR (ATR checkpoint kinase; minus strand). Cytogenetic location: 3q23.
Variant type: single nucleotide variant.
Coding change: c.4657A>T on transcript NM_001184.4 (MANE Select); coding-DNA position 4657, A replaced by T.
Protein change: p.Met1553Leu; replaces methionine 1553 with leucine.
Molecular consequence: missense variant.
Genome position (GRCh38, 1-based): chr3:142,512,455, T>A on the plus strand (A>T on the coding strand, the complement: ATR is on the minus strand). VCF-style: chr3-142512455-T-A. GRCh37 (hg19) VCF-style: chr3-142231297-T-A.
Other names: c.4465A>T, p.Met1489Leu (NM_001354579.2); short protein forms M1489L, M1553L.
Identifiers: ClinVar variation 3221172 (VCV003221172.1), dbSNP rs747762243, ClinGen allele CA354795898.